The following is an entry in ClinVar:

NM_024422.6(DSC2):c.1744G>A (p.Val582Met)

Gene: DSC2 (desmocollin 2; minus strand). Cytogenetic location: 18q12.1.
Variant type: single nucleotide variant.
Coding change: c.1744G>A on transcript NM_024422.6 (MANE Select); coding-DNA position 1744, G replaced by A.
Protein change: p.Val582Met; replaces valine 582 with methionine.
Molecular consequence: missense variant.
Genome position (GRCh38, 1-based): chr18:31,074,827, C>T on the plus strand (G>A on the coding strand, the complement: DSC2 is on the minus strand). VCF-style: chr18-31074827-C-T. GRCh37 (hg19) VCF-style: chr18-28654793-C-T.
Other names: c.1315G>A, p.Val439Met (NM_001406506.1, NM_001406507.1); c.1744G>A, p.Val582Met (NM_004949.5); short protein forms V439M, V582M.
Identifiers: ClinVar variation 2149357 (VCV002149357.1), dbSNP rs1297240025, ClinGen allele CA402114194.

ClinVar aggregate classification (germline): Uncertain significance (1 of 4 stars; one submission).

Conditions:
Arrhythmogenic right ventricular dysplasia 11. Also called: Arrhythmogenic right ventricular dysplasia 11 with mild palmoplantar keratoderma and woolly hair; Arrhythmogenic Right Ventricular Dysplasia/Cardiomyopathy11; ARRHYTHMOGENIC RIGHT VENTRICULAR DYSPLASIA, FAMILIAL, 11. Identifiers: MedGen C1864850, MONDO:0012506, OMIM 610476.

Allele frequency attached by ClinVar (database versions not stated): TOPMed below 0.00001.

Submission:

Labcorp Genetics (formerly Invitae), Labcorp
Classification: Uncertain significance for Arrhythmogenic right ventricular dysplasia 11. Last evaluated: 2021-12-18. Review status: criteria provided, single submitter. Criteria: Invitae Variant Classification Sherloc (09022015). Collection method: clinical testing. Allele origin: germline.
Comment: This sequence change replaces valine, which is neutral and non-polar, with methionine, which is neutral and non-polar, at codon 582 of the DSC2 protein (p.Val582Met). This variant is not present in population databases (gnomAD no frequency). This variant has not been reported in the literature in individuals affected with DSC2-related conditions. Algorithms developed to predict the effect of missense changes on protein structure and function (SIFT, PolyPhen-2, Align-GVGD) all suggest that this variant is likely to be tolerated. In summary, the available evidence is currently insufficient to determine the role of this variant in disease. Therefore, it has been classified as a Variant of Uncertain Significance.